The following is an entry in ClinVar:

NM_018026.4(PACS1):c.2345C>T (p.Pro782Leu)

Gene: PACS1 (phosphofurin acidic cluster sorting protein 1; plus strand). Cytogenetic location: 11q13.2.
Variant type: single nucleotide variant.
Coding change: c.2345C>T on transcript NM_018026.4 (MANE Select); coding-DNA position 2345, C replaced by T.
Protein change: p.Pro782Leu; replaces proline 782 with leucine.
Molecular consequence: missense variant.
Genome position (GRCh38, 1-based): chr11:66,239,193, C>T. VCF-style: chr11-66239193-C-T. GRCh37 (hg19) VCF-style: chr11-66006664-C-T.
Other names: short protein forms P782L.
Identifiers: ClinVar variation 2701245 (VCV002701245.3), dbSNP rs777318868, ClinGen allele CA6116855.

ClinVar aggregate classification (germline): Uncertain significance (1 of 4 stars; one submission).

Conditions:
Schuurs-Hoeijmakers syndrome. Also called: PACS1-Related Neurodevelopmental Disorder. Identifiers: Orphanet 329224, MedGen C3554343, MONDO:0014006, OMIM 615009.

Allele frequency attached by ClinVar (database versions not stated): ExAC 0.00001; gnomAD exomes below 0.00001.
gnomAD v4.1: 1 of 1,614,150 alleles (0.000062%); highest among the groups gnomAD compares: Non-Finnish European, 0.000085%; no homozygotes.

Submission:

Labcorp Genetics (formerly Invitae), Labcorp
Classification: Uncertain significance for Schuurs-Hoeijmakers syndrome. Last evaluated: 2023-12-06. Review status: criteria provided, single submitter. Criteria: Invitae Variant Classification Sherloc (09022015). Collection method: clinical testing. Allele origin: germline.
Comment: This sequence change replaces proline, which is neutral and non-polar, with leucine, which is neutral and non-polar, at codon 782 of the PACS1 protein (p.Pro782Leu). This variant is present in population databases (rs777318868, gnomAD 0.0009%). This variant has not been reported in the literature in individuals affected with PACS1-related conditions. Advanced modeling of protein sequence and biophysical properties (such as structural, functional, and spatial information, amino acid conservation, physicochemical variation, residue mobility, and thermodynamic stability) performed at Invitae indicates that this missense variant is not expected to disrupt PACS1 protein function with a negative predictive value of 80%. In summary, the available evidence is currently insufficient to determine the role of this variant in disease. Therefore, it has been classified as a Variant of Uncertain Significance.